The following is an entry in ClinVar:

NM_014225.6(PPP2R1A):c.503+9_503+10del

Gene: PPP2R1A (protein phosphatase 2 scaffold subunit Aalpha; plus strand). Cytogenetic location: 19q13.41.
Variant type: Microsatellite.
Coding change: c.503+9_503+10del on transcript NM_014225.6 (MANE Select); bases 9 to 10 of the intron after coding-DNA position 503, 2 bases deleted (CT; older notation c.503+9_503+10delCT).
Molecular consequence: intron variant.
Genome position (GRCh38, 1-based): chr19:52,211,501-52,211,502, CT deleted; deleting any 2 consecutive bases within chr19:52,211,498-52,211,502 gives the same sequence; the c. name uses the placement nearest the transcript's 3' end. VCF-style (leftmost placement, unchanged base first): chr19-52211497-GTC-G. GRCh37 (hg19) VCF-style: chr19-52714750-GTC-G.
Other names: c.503+9_503+10delCT (NM_014225.6); c.-35+9_-35+10del (NM_001363656.2).
Identifiers: ClinVar variation 1575359 (VCV001575359.9), dbSNP rs1334058250, ClinGen allele CA633902822.
Genomic context (GRCh38, chr19:52,211,497, plus strand): 5'-CTCTTCTCCGTCTGCTACCCCCGAGTGTCCAGTGCTGTGAAGGCGGAACTTCGACAGTGA[GTC>G]TCTGCCTCCTTGGAAGCTCCAAGCTCCCATCTCAGCTCCAACCTTCTCTAAAGCCTCAGA-3'

ClinVar aggregate classification (germline): Likely benign. Review status: criteria provided, multiple submitters, no conflicts (2 of 4 stars). 2 submissions from 2 submitters: Likely benign (2). Last evaluated 2025-07-09.

Submissions (2):

Women's Health and Genetics/Laboratory Corporation of America, LabCorp
Classification: Likely benign. Last evaluated: 2025-07-09. Review status: criteria provided, single submitter. Criteria: LabCorp Variant Classification Summary - May 2015. Collection method: clinical testing. Allele origin: germline.
Comment: Variant summary: PPP2R1A c.503+9_503+10delCT alters a nucleotide located at a position not widely known to affect splicing. Consensus agreement among computation tools predict no significant impact on normal splicing. However, these predictions have yet to be confirmed by functional studies. The variant allele was found at a frequency of 1.2e-05 in 243076 control chromosomes. The available data on variant occurrences in the general population are insufficient to allow any conclusion about variant significance. To our knowledge, no occurrence of c.503+9_503+10delCT in individuals affected with Mental Retardation, Autosomal Dominant 36 and no experimental evidence demonstrating its impact on protein function have been reported. ClinVar contains an entry for this variant (Variation ID: 1575359). Based on the evidence outlined above, the variant was classified as likely benign.

Labcorp Genetics (formerly Invitae), Labcorp
Classification: Likely benign. Last evaluated: 2024-03-16. Review status: criteria provided, single submitter. Criteria: Invitae Variant Classification Sherloc (09022015). Collection method: clinical testing. Allele origin: germline.